The following is an entry in ClinVar:

NM_001374259.2(IL12RB2):c.563C>A (p.Thr188Asn)

Gene: IL12RB2 (interleukin 12 receptor subunit beta 2; plus strand). Cytogenetic location: 1p31.3.
Variant type: single nucleotide variant.
Coding change: c.563C>A on transcript NM_001374259.2 (MANE Select); coding-DNA position 563, C replaced by A.
Protein change: p.Thr188Asn; replaces threonine 188 with asparagine.
Molecular consequence: missense variant. On other transcripts: non-coding transcript variant (2).
Genome position (GRCh38, 1-based): chr1:67,328,283, C>A. VCF-style: chr1-67328283-C-A. GRCh37 (hg19) VCF-style: chr1-67793966-C-A.
Other names: c.563C>A, p.Thr188Asn (NM_001258214.1, NM_001258215.1, NM_001258216.1 and 2 more transcripts); short protein forms T188N.
Identifiers: ClinVar variation 3688487 (VCV003688487.2).

ClinVar aggregate classification (germline): Uncertain significance (1 of 4 stars; one submission).

gnomAD v4.1: 8 of 1,614,052 alleles (0.0005%); highest among the groups gnomAD compares: Non-Finnish European, 0.00068%; no homozygotes.

Submission:

Labcorp Genetics (formerly Invitae), Labcorp
Classification: Uncertain significance. Last evaluated: 2024-08-30. Review status: criteria provided, single submitter. Criteria: Invitae Variant Classification Sherloc (09022015). Collection method: clinical testing. Allele origin: germline.
Comment: This sequence change replaces threonine, which is neutral and polar, with asparagine, which is neutral and polar, at codon 188 of the IL12RB2 protein (p.Thr188Asn). This variant is present in population databases (rs148003363, gnomAD 0.0009%). This variant has not been reported in the literature in individuals affected with IL12RB2-related conditions. An algorithm developed to predict the effect of missense changes on protein structure and function (PolyPhen-2) suggests that this variant is likely to be disruptive. In summary, the available evidence is currently insufficient to determine the role of this variant in disease. Therefore, it has been classified as a Variant of Uncertain Significance.